The following is an entry in ClinVar:

ClinVar aggregate classification (germline): Uncertain significance (1 of 4 stars; one submission).

Conditions:
Hereditary cancer-predisposing syndrome. Also called: Neoplastic Syndromes, Hereditary; Tumor predisposition; Hereditary neoplastic syndrome; Hereditary Cancer Syndrome. Identifiers: Orphanet 140162, MedGen C0027672, MeSH D009386, MONDO:0015356.
Cardiovascular phenotype. Identifiers: MedGen CN230736.

Submission:

Ambry Genetics
Classification: Uncertain significance for Cardiovascular phenotype; Hereditary cancer-predisposing syndrome. Last evaluated: 2023-04-25. Review status: criteria provided, single submitter. Criteria: Ambry Variant Classification Scheme 2023. Collection method: clinical testing. Allele origin: germline.
Comment: The p.M613I variant (also known as c.1839G>A), located in coding exon 16 of the LZTR1 gene, results from a G to A substitution at nucleotide position 1839. The methionine at codon 613 is replaced by isoleucine, an amino acid with highly similar properties. This amino acid position is conserved. In addition, the in silico prediction for this alteration is inconclusive. Since supporting evidence is limited at this time, the clinical significance of this alteration remains unclear.

NM_006767.4(LZTR1):c.1839G>A (p.Met613Ile)

Gene: LZTR1 (leucine zipper like post translational regulator 1; plus strand). Cytogenetic location: 22q11.21.
Variant type: single nucleotide variant.
Coding change: c.1839G>A on transcript NM_006767.4 (MANE Select); coding-DNA position 1839, G replaced by A.
Protein change: p.Met613Ile; replaces methionine 613 with isoleucine.
Molecular consequence: missense variant.
Genome position (GRCh38, 1-based): chr22:20,994,923, G>A. VCF-style: chr22-20994923-G-A. GRCh37 (hg19) VCF-style: chr22-21349212-G-A.
Other names: short protein forms M613I.
Identifiers: ClinVar variation 3238144 (VCV003238144.1), dbSNP rs973214079.